The following is an entry in ClinVar:

ClinVar aggregate classification (germline): Likely benign (0 of 4 stars; one submission).

Conditions:
COQ4-related disorder. Also called: COQ4-related condition.

Allele frequency attached by ClinVar (database versions not stated): ExAC 0.00001; TOPMed 0.00003; gnomAD 0.00005; 1000 Genomes Project 30x 0.00016; 1000 Genomes Project 0.00020.
gnomAD v4.1: 84 of 1,599,260 alleles (0.0053%); highest among the groups gnomAD compares: Non-Finnish European, 0.0068%; no homozygotes.

Submission:

PreventionGenetics, part of Exact Sciences
Classification: Likely benign for COQ4-related condition. Last evaluated: 2019-11-20. Review status: no assertion criteria provided. Collection method: clinical testing. Allele origin: germline.
Comment: This variant is classified as likely benign based on ACMG/AMP sequence variant interpretation guidelines (Richards et al. 2015 PMID: 25741868, with internal and published modifications).

NM_016035.5(COQ4):c.198C>A (p.Arg66=)

Gene: COQ4 (coenzyme Q4; plus strand). Cytogenetic location: 9q34.11.
Variant type: single nucleotide variant.
Coding change: c.198C>A on transcript NM_016035.5 (MANE Select); coding-DNA position 198, C replaced by A.
Protein change: p.Arg66=; no amino-acid change (arginine 66 retained).
Molecular consequence: synonymous variant.
Genome position (GRCh38, 1-based): chr9:128,323,143, C>A. VCF-style: chr9-128323143-C-A. GRCh37 (hg19) VCF-style: chr9-131085422-C-A.
Other names: c.198C>A, p.Arg66= (NM_001305942.2).
Identifiers: ClinVar variation 3048439 (VCV003048439.2), dbSNP rs569501807, ClinGen allele CA5260429.
Genomic context (GRCh38, chr9:128,323,143, plus strand): 5'-GCTGCAGAAAGGGCTGTTGGCCGCCGGCTCCGCGGCGATGGCGCTCTATAACCCCTACCG[C>A]CACGGTAAGGCCGCCCGCGCCTCGCCCCCGTGGGGGCGGCTTGGAGCCGTTTCCTGTGGG-3'
Protein context (NP_057119.3, residues 56-76): SAAMALYNPY[Arg66=]HDMVAVLGET